The following is an entry in ClinVar:

ClinVar aggregate classification (germline): Uncertain significance (1 of 4 stars; one submission).

gnomAD v4.1: 1 of 1,614,208 alleles (0.000062%); highest among the groups gnomAD compares: Non-Finnish European, 0.000085%; no homozygotes.

Submission:

GeneDx
Classification: Uncertain significance. Last evaluated: 2024-08-02. Review status: criteria provided, single submitter. Criteria: GeneDx Variant Classification Process June 2021. Collection method: clinical testing. Allele origin: germline. Affected: yes.
Comment: Not observed at significant frequency in large population cohorts (gnomAD); In silico analysis indicates that this missense variant does not alter protein structure/function; Has not been previously published as pathogenic or benign to our knowledge

NM_006516.4(SLC2A1):c.1212T>G (p.Ile404Met)

Gene: SLC2A1 (solute carrier family 2 member 1; minus strand). Cytogenetic location: 1p34.2.
Variant type: single nucleotide variant.
Coding change: c.1212T>G on transcript NM_006516.4 (MANE Select); coding-DNA position 1212, T replaced by G.
Protein change: p.Ile404Met; replaces isoleucine 404 with methionine.
Molecular consequence: missense variant.
Genome position (GRCh38, 1-based): chr1:42,927,671, A>C on the plus strand (T>G on the coding strand, the complement: SLC2A1 is on the minus strand). VCF-style: chr1-42927671-A-C. GRCh37 (hg19) VCF-style: chr1-43393342-A-C.
Other names: short protein forms I404M.
Identifiers: ClinVar variation 3602429 (VCV003602429.1).
Genomic context (GRCh38, chr1:42,927,671, plus strand): 5'-ATACTGGAAGCACATGCCCACAATGAAATTTGAGGTCCAGTTGGAGAAGCCTGCAACGGC[A>C]ATGGCAGCTGGACGTGGACCCTGGCTGAAGAGTTCAGCCACGATGAACCATGGGATGGGG-3'
Protein context (NP_006507.2, residues 394-414): LFSQGPRPAA[Ile404Met]AVAGFSNWTS